The following is an entry in ClinVar:

NM_004370.6(COL12A1):c.2100T>A (p.Asn700Lys)

Gene: COL12A1 (collagen type XII alpha 1 chain; minus strand). Cytogenetic location: 6q13.
Variant type: single nucleotide variant.
Coding change: c.2100T>A on transcript NM_004370.6 (MANE Select); coding-DNA position 2100, T replaced by A.
Protein change: p.Asn700Lys; replaces asparagine 700 with lysine.
Molecular consequence: missense variant. On other transcripts: intron variant (2).
Genome position (GRCh38, 1-based): chr6:75,181,003, A>T on the plus strand (T>A on the coding strand, the complement: COL12A1 is on the minus strand). VCF-style: chr6-75181003-A-T. GRCh37 (hg19) VCF-style: chr6-75890719-A-T.
Other names: c.2100T>A, p.Asn700Lys (NM_001424113.1, NM_001424114.1, NM_001424115.1); c.73+21717T>A (NM_001424116.1, NM_080645.3); short protein forms N700K.
Identifiers: ClinVar variation 2953711 (VCV002953711.3), dbSNP rs2149461949, ClinGen allele CA364766342.

ClinVar aggregate classification (germline): Uncertain significance (1 of 4 stars; one submission).

Conditions:
Ullrich congenital muscular dystrophy 2 (UCMD2). Identifiers: Orphanet 75840, MedGen C4225314, MONDO:0014654, OMIM 616470.
Bethlem myopathy 2 (BTHLM2). Identifiers: Orphanet 536516, Orphanet 610, MedGen C4225313, MONDO:0034022, OMIM 616471.

Submission:

Labcorp Genetics (formerly Invitae), Labcorp
Classification: Uncertain significance for Bethlem myopathy 2; Ullrich congenital muscular dystrophy 2. Last evaluated: 2023-11-09. Review status: criteria provided, single submitter. Criteria: Invitae Variant Classification Sherloc (09022015). Collection method: clinical testing. Allele origin: germline.
Comment: This sequence change replaces asparagine, which is neutral and polar, with lysine, which is basic and polar, at codon 700 of the COL12A1 protein (p.Asn700Lys). This variant is not present in population databases (gnomAD no frequency). This variant has not been reported in the literature in individuals affected with COL12A1-related conditions. Advanced modeling of protein sequence and biophysical properties (such as structural, functional, and spatial information, amino acid conservation, physicochemical variation, residue mobility, and thermodynamic stability) performed at Invitae indicates that this missense variant is not expected to disrupt COL12A1 protein function with a negative predictive value of 80%. In summary, the available evidence is currently insufficient to determine the role of this variant in disease. Therefore, it has been classified as a Variant of Uncertain Significance.